The following is an entry in ClinVar:

NM_015650.4(TRAF3IP1):c.1573A>T (p.Met525Leu)

Gene: TRAF3IP1 (TRAF3 interacting protein 1; plus strand). Cytogenetic location: 2q37.3.
Variant type: single nucleotide variant.
Coding change: c.1573A>T on transcript NM_015650.4 (MANE Select); coding-DNA position 1573, A replaced by T.
Protein change: p.Met525Leu; replaces methionine 525 with leucine.
Molecular consequence: missense variant.
Genome position (GRCh38, 1-based): chr2:238,352,948, A>T. VCF-style: chr2-238352948-A-T. GRCh37 (hg19) VCF-style: chr2-239261589-A-T.
Other names: c.1375A>T, p.Met459Leu (NM_001139490.1); short protein forms M459L, M525L.
Identifiers: ClinVar variation 1413336 (VCV001413336.3), dbSNP rs147241665, ClinGen allele CA2198482.
Genomic context (GRCh38, chr2:238,352,948, plus strand): 5'-GAGGATGATCAATTTGTGGTGGAAGCTGCCCCTCAGCTCTCTGAAATGTCAGAAATTGAA[A>T]TGGTTAGTTAACCGAAATATGATGTTTTTTAATAATAATGTTTTACCTTCATTGAGATTA-3'
Protein context (NP_056465.2, residues 515-535): PQLSEMSEIE[Met525Leu]VTAVELEEEE

ClinVar aggregate classification (germline): Uncertain significance (1 of 4 stars; one submission).

Allele frequency attached by ClinVar (database versions not stated): gnomAD exomes below 0.00001; ExAC 0.00001; gnomAD 0.00001; TOPMed 0.00002; ESP Exome Variant Server 0.00008.
gnomAD v4.1: 5 of 1,607,314 alleles (0.00031%); highest among the groups gnomAD compares: Non-Finnish European, 0.00042%; no homozygotes.

Submission:

Labcorp Genetics (formerly Invitae), Labcorp
Classification: Uncertain significance. Last evaluated: 2021-08-26. Review status: criteria provided, single submitter. Criteria: Invitae Variant Classification Sherloc (09022015). Collection method: clinical testing. Allele origin: germline.
Comment: This sequence change replaces methionine with leucine at codon 525 of the TRAF3IP1 protein (p.Met525Leu). The methionine residue is moderately conserved and there is a small physicochemical difference between methionine and leucine. This variant is present in population databases (rs147241665, ExAC 0.002%). This variant has not been reported in the literature in individuals affected with TRAF3IP1-related conditions. Algorithms developed to predict the effect of missense changes on protein structure and function output the following: SIFT: "Tolerated"; PolyPhen-2: "Benign"; Align-GVGD: "Class C0". The leucine amino acid residue is found in multiple mammalian species, which suggests that this missense change does not adversely affect protein function. In summary, the available evidence is currently insufficient to determine the role of this variant in disease. Therefore, it has been classified as a Variant of Uncertain Significance.